The following is an entry in ClinVar:

NM_018136.5(ASPM):c.5467C>T (p.Gln1823Ter)

Gene: ASPM (assembly factor for spindle microtubules; minus strand). Cytogenetic location: 1q31.3.
Variant type: single nucleotide variant.
Coding change: c.5467C>T on transcript NM_018136.5 (MANE Select); coding-DNA position 5467, C replaced by T.
Protein change: p.Gln1823Ter; replaces glutamine 1823 with a stop codon.
Molecular consequence: nonsense. On other transcripts: intron variant (1).
Genome position (GRCh38, 1-based): chr1:197,103,784, G>A on the plus strand (C>T on the coding strand, the complement: ASPM is on the minus strand). VCF-style: chr1-197103784-G-A. GRCh37 (hg19) VCF-style: chr1-197072914-G-A.
Other names: c.4066-7620C>T (NM_001206846.2); short protein forms Q1823*.
Identifiers: ClinVar variation 375459 (VCV000375459.2), dbSNP rs754909135, ClinGen allele CA1309755.

ClinVar aggregate classification (germline): Pathogenic (1 of 4 stars; one submission).

Conditions:
Microcephaly 5, primary, autosomal recessive (MCPH5). Also called: ASPM Primary Microcephaly. Identifiers: Orphanet 2512, MedGen C1837501, MONDO:0012106, OMIM 608716.

Allele frequency attached by ClinVar (database versions not stated): gnomAD exomes below 0.00001; ExAC 0.00001.
gnomAD v4.1: 6 of 1,612,936 alleles (0.00037%); highest among the groups gnomAD compares: Non-Finnish European, 0.00051%; no homozygotes.

Submission:

Center of Genomic medicine, Geneva, University Hospital of Geneva
Classification: Pathogenic for Microcephaly 5, primary, autosomal recessive. Last evaluated: 2016-04-28. Review status: criteria provided, single submitter. Criteria: ACMG Guidelines, 2015. Collection method: clinical testing. Allele origin: paternal. Affected: yes.